The following is an entry in ClinVar:

NM_001211.6(BUB1B):c.1175A>C (p.Lys392Thr)

Gene: BUB1B (BUB1 mitotic checkpoint serine/threonine kinase B; plus strand). Cytogenetic location: 15q15.1.
Variant type: single nucleotide variant.
Coding change: c.1175A>C on transcript NM_001211.6 (MANE Select); coding-DNA position 1175, A replaced by C.
Protein change: p.Lys392Thr; replaces lysine 392 with threonine.
Molecular consequence: missense variant.
Genome position (GRCh38, 1-based): chr15:40,196,661, A>C. VCF-style: chr15-40196661-A-C. GRCh37 (hg19) VCF-style: chr15-40488862-A-C.
Other names: short protein forms K392T.
Identifiers: ClinVar variation 4600171 (VCV004600171.1).

ClinVar aggregate classification (germline): Uncertain significance (1 of 4 stars; one submission).

Conditions:
Inborn genetic diseases. Identifiers: MedGen C0950123, MeSH D030342.

Submission:

Ambry Genetics
Classification: Uncertain significance for Inborn genetic diseases. Last evaluated: 2025-09-19. Review status: criteria provided, single submitter. Criteria: Ambry Variant Classification Scheme 2023. Collection method: clinical testing. Allele origin: germline.
Comment: The p.K392T variant (also known as c.1175A>C), located in coding exon 9 of the BUB1B gene, results from an A to C substitution at nucleotide position 1175. The lysine at codon 392 is replaced by threonine, an amino acid with similar properties. This amino acid position is conserved. In addition, this alteration is predicted to be tolerated by in silico analysis. Based on the available evidence, the clinical significance of this variant remains unclear.